The following is an entry in ClinVar:

NM_020207.7(ERCC6L2):c.1137_1138insAGTCTTCT (p.Leu380fs)

Gene: ERCC6L2 (ERCC excision repair 6 like 2; plus strand). Cytogenetic location: 9q22.32.
Variant type: Insertion.
Coding change: c.1137_1138insAGTCTTCT on transcript NM_020207.7 (MANE Select); coding-DNA positions 1137 to 1138, AGTCTTCT inserted.
Protein change: p.Leu380fs; shifts the reading frame from leucine 380.
Molecular consequence: frameshift variant. On other transcripts: non-coding transcript variant (1).
Genome position: GRCh38 VCF-style: chr9-95916413-G-GAGTCTTCT. GRCh37 (hg19) VCF-style: chr9-98678695-G-GAGTCTTCT.
Other names: c.1137_1138insAGTCTTCT, p.Leu380fs (NM_001010895.4, NM_001375291.1, NM_001375292.1 and 2 more transcripts); short protein forms L380fs.
Identifiers: ClinVar variation 1954899 (VCV001954899.5), dbSNP rs1829591905, ClinGen allele CA1865849509.
Genomic context (GRCh38, chr9:95,916,413, plus strand): 5'-ACTTGCCAAAAAGATGTCTGGCTGGTTTCTCAGGCGCACCAAGACTCTTATCAAGGATCA[G>GAGTCTTCT]TTGCCTAAGAAGGAAGACCGGGTAAGAACCGCATTTGTATATATTATTAATTTGTGGTCA-3'

ClinVar aggregate classification (germline): Pathogenic (1 of 4 stars; one submission).

Submission:

Labcorp Genetics (formerly Invitae), Labcorp
Classification: Pathogenic. Last evaluated: 2022-04-06. Review status: criteria provided, single submitter. Criteria: Invitae Variant Classification Sherloc (09022015). Collection method: clinical testing. Allele origin: germline.
Comment: For these reasons, this variant has been classified as Pathogenic. This variant has not been reported in the literature in individuals affected with ERCC6L2-related conditions. This variant is not present in population databases (gnomAD no frequency). This sequence change creates a premature translational stop signal (p.Leu391Serfs*16) in the ERCC6L2 gene. It is expected to result in an absent or disrupted protein product. Loss-of-function variants in ERCC6L2 are known to be pathogenic (PMID: 24507776, 27185855, 29146883, 29987015).

Literature cited by the submitters: PubMed 24507776; PubMed 27185855; PubMed 29146883; PubMed 29987015.